The following is an entry in ClinVar:

ClinVar aggregate classification (germline): Uncertain significance (1 of 4 stars; one submission).

Allele frequency attached by ClinVar (database versions not stated): gnomAD exomes 0.00001 and 0.00002; TOPMed 0.00001; ExAC 0.00002.
gnomAD v4.1: 6 of 1,614,164 alleles (0.00037%); highest among the groups gnomAD compares: Admixed American, 0.005%; no homozygotes.

Submission:

Labcorp Genetics (formerly Invitae), Labcorp
Classification: Uncertain significance. Last evaluated: 2022-12-02. Review status: criteria provided, single submitter. Criteria: Invitae Variant Classification Sherloc (09022015). Collection method: clinical testing. Allele origin: germline.
Comment: In summary, the available evidence is currently insufficient to determine the role of this variant in disease. Therefore, it has been classified as a Variant of Uncertain Significance. Advanced modeling of protein sequence and biophysical properties (such as structural, functional, and spatial information, amino acid conservation, physicochemical variation, residue mobility, and thermodynamic stability) performed at Invitae indicates that this missense variant is not expected to disrupt TUFM protein function. ClinVar contains an entry for this variant (Variation ID: 1510613). This variant has not been reported in the literature in individuals affected with TUFM-related conditions. This variant is present in population databases (rs753214812, gnomAD 0.009%). This sequence change replaces arginine, which is basic and polar, with glutamine, which is neutral and polar, at codon 414 of the TUFM protein (p.Arg414Gln).

NM_003321.5(TUFM):c.1241G>A (p.Arg414Gln)

Gene: TUFM (Tu translation elongation factor, mitochondrial; minus strand). Cytogenetic location: 16p11.2.
Variant type: single nucleotide variant.
Coding change: c.1241G>A on transcript NM_003321.5 (MANE Select); coding-DNA position 1241, G replaced by A.
Protein change: p.Arg414Gln; replaces arginine 414 with glutamine.
Molecular consequence: missense variant.
Genome position (GRCh38, 1-based): chr16:28,843,102, C>T on the plus strand (G>A on the coding strand, the complement: TUFM is on the minus strand). VCF-style: chr16-28843102-C-T. GRCh37 (hg19) VCF-style: chr16-28854423-C-T.
Other names: c.1157G>A, p.Arg386Gln (NM_001365360.2); short protein forms R414Q, R386Q.
Identifiers: ClinVar variation 1510613 (VCV001510613.8), dbSNP rs753214812, ClinGen allele CA7985365.